The following is an entry in ClinVar:

ClinVar aggregate classification (germline): Uncertain significance. Review status: criteria provided, multiple submitters, no conflicts (2 of 4 stars). 2 submissions from 2 submitters: Uncertain significance (2). Last evaluated 2024-12-02.

Conditions:
Baller-Gerold syndrome (BGS). Also called: CRANIOSYNOSTOSIS WITH RADIAL DEFECTS. Identifiers: Orphanet 1225, MedGen C0265308, MONDO:0009039, OMIM 218600.
Inborn genetic diseases. Identifiers: MedGen C0950123, MeSH D030342.

Allele frequency attached by ClinVar (database versions not stated): gnomAD exomes below 0.00001; TOPMed below 0.00001.

Submissions (2):

Ambry Genetics
Classification: Uncertain significance for Inborn genetic diseases. Last evaluated: 2024-12-02. Review status: criteria provided, single submitter. Criteria: Ambry Variant Classification Scheme 2023. Collection method: clinical testing. Allele origin: germline.
Comment: The p.Q243H variant (also known as c.729A>C), located in coding exon 5 of the RECQL4 gene, results from an A to C substitution at nucleotide position 729. The glutamine at codon 243 is replaced by histidine, an amino acid with highly similar properties. This amino acid position is conserved. In addition, this alteration is predicted to be tolerated by in silico analysis. Based on the available evidence, the clinical significance of this variant remains unclear.

Labcorp Genetics (formerly Invitae), Labcorp
Classification: Uncertain significance for Baller-Gerold syndrome. Last evaluated: 2023-10-25. Review status: criteria provided, single submitter. Criteria: Invitae Variant Classification Sherloc (09022015). Collection method: clinical testing. Allele origin: germline.
Comment: This sequence change replaces glutamine, which is neutral and polar, with histidine, which is basic and polar, at codon 243 of the RECQL4 protein (p.Gln243His). This variant is present in population databases (no rsID available, gnomAD 0.0009%). This variant has not been reported in the literature in individuals affected with RECQL4-related conditions. ClinVar contains an entry for this variant (Variation ID: 1418529). Advanced modeling of protein sequence and biophysical properties (such as structural, functional, and spatial information, amino acid conservation, physicochemical variation, residue mobility, and thermodynamic stability) performed at Invitae indicates that this missense variant is not expected to disrupt RECQL4 protein function with a negative predictive value of 80%. In summary, the available evidence is currently insufficient to determine the role of this variant in disease. Therefore, it has been classified as a Variant of Uncertain Significance.

NM_004260.4(RECQL4):c.729A>C (p.Gln243His)

Gene: RECQL4 (RecQ like helicase 4; minus strand). Cytogenetic location: 8q24.3.
Variant type: single nucleotide variant.
Coding change: c.729A>C on transcript NM_004260.4 (MANE Select); coding-DNA position 729, A replaced by C.
Protein change: p.Gln243His; replaces glutamine 243 with histidine.
Molecular consequence: missense variant.
Genome position (GRCh38, 1-based): chr8:144,516,390, T>G on the plus strand (A>C on the coding strand, the complement: RECQL4 is on the minus strand). VCF-style: chr8-144516390-T-G. GRCh37 (hg19) VCF-style: chr8-145741774-T-G.
Other names: c.729A>C (NM_004260.3); short protein forms Q243H.
Identifiers: ClinVar variation 1418529 (VCV001418529.7), dbSNP rs1227594944, ClinGen allele CA372689492.
Genomic context (GRCh38, chr8:144,516,390, plus strand): 5'-TCTCCGCTTCTCGCCTCCACTGCTGCTGGGCTGGGGGCTCCCCACACGGATGCTGACTTC[T>G]TGGAAGGCTGAAGCCTCTGGGCCCTGGGAGCCAGCACCAGGACCAAGGACAGCCGACTCA-3'
Protein context (NP_004251.4, residues 233-253): GSQGPEASAF[Gln243His]EVSIRVGSPQ